The following is an entry in ClinVar:

ClinVar aggregate classification (germline): Uncertain significance (1 of 4 stars; one submission).

Submission:

Ambry Genetics
Classification: Uncertain significance. Last evaluated: 2024-07-28. Review status: criteria provided, single submitter. Criteria: Ambry Variant Classification Scheme 2023. Collection method: clinical testing. Allele origin: germline.
Comment: The p.K360M variant (also known as c.1079A>T), located in coding exon 5 of the MNDA gene, results from an A to T substitution at nucleotide position 1079. The lysine at codon 360 is replaced by methionine, an amino acid with similar properties. This amino acid position is conserved. In addition, this alteration is predicted to be tolerated by in silico analysis. Based on the available evidence, the clinical significance of this variant remains unclear.

NM_002432.3(MNDA):c.1079A>T (p.Lys360Met)

Gene: MNDA (myeloid cell nuclear differentiation antigen; plus strand). Cytogenetic location: 1q23.1.
Variant type: single nucleotide variant.
Coding change: c.1079A>T on transcript NM_002432.3 (MANE Select); coding-DNA position 1079, A replaced by T.
Protein change: p.Lys360Met; replaces lysine 360 with methionine.
Molecular consequence: missense variant.
Genome position (GRCh38, 1-based): chr1:158,847,819, A>T. VCF-style: chr1-158847819-A-T. GRCh37 (hg19) VCF-style: chr1-158817609-A-T.
Other names: short protein forms K360M.
Identifiers: ClinVar variation 3397279 (VCV003397279.1).